The following is an entry in ClinVar:

ClinVar aggregate classification (germline): Likely benign (1 of 4 stars; one submission).

Conditions:
NTRK2-related disorder. Also called: NTRK2-related condition.

gnomAD v4.1: 1 of 1,612,764 alleles (0.000062%); highest among the groups gnomAD compares: Non-Finnish European, 0.000085%; no homozygotes.

Submission:

PreventionGenetics, part of Exact Sciences
Classification: Likely benign for NTRK2-related condition. Last evaluated: 2024-11-13. Review status: criteria provided, single submitter. Criteria: ACMG Guidelines, 2015. Collection method: clinical testing. Allele origin: germline.
Comment: This variant is classified as likely benign based on ACMG/AMP sequence variant interpretation guidelines (Richards et al. 2015 PMID: 25741868, with internal and published modifications).

NM_006180.6(NTRK2):c.2397T>C (p.Tyr799=)

Gene: NTRK2 (neurotrophic receptor tyrosine kinase 2; plus strand). Cytogenetic location: 9q21.33.
Variant type: single nucleotide variant.
Coding change: c.2397T>C on transcript NM_006180.6 (MANE Select); coding-DNA position 2397, T replaced by C.
Protein change: p.Tyr799=; no amino-acid change (tyrosine 799 retained).
Molecular consequence: synonymous variant.
Genome position (GRCh38, 1-based): chr9:85,021,317, T>C. VCF-style: chr9-85021317-T-C. GRCh37 (hg19) VCF-style: chr9-87636232-T-C.
Other names: c.2349T>C, p.Tyr783= (NM_001018064.3, NM_001369532.1, NM_001369533.1); c.2313T>C, p.Tyr771= (NM_001369534.1); c.1881T>C, p.Tyr627= (NM_001369535.1); c.1929T>C, p.Tyr643= (NM_001369536.1).
Identifiers: ClinVar variation 4986067 (VCV004986067.1).